The following is an entry in ClinVar:

ClinVar aggregate classification (germline): Uncertain significance. Review status: criteria provided, multiple submitters, no conflicts (2 of 4 stars). 3 submissions from 3 submitters: Uncertain significance (2). 1 of the submissions does not count toward it. Last evaluated 2024-10-25.

Conditions:
Bardet-Biedl syndrome 1 (BBS1). Identifiers: MedGen C2936862, MONDO:0008854, OMIM 209900. Disease mechanism: loss of function.
Bardet-Biedl syndrome (BBS). Identifiers: Orphanet 110, MedGen C0752166, MONDO:0015229.

Allele frequency attached by ClinVar (database versions not stated): gnomAD exomes below 0.00001; TOPMed 0.00001; gnomAD 0.00002.
gnomAD v4.1: 7 of 1,614,052 alleles (0.00043%); highest among the groups gnomAD compares: African/African-American, 0.004%; no homozygotes.

Submissions (3):

Labcorp Genetics (formerly Invitae), Labcorp
Classification: Uncertain significance for Bardet-Biedl syndrome. Last evaluated: 2024-10-25. Review status: criteria provided, single submitter. Criteria: Invitae Variant Classification Sherloc (09022015). Collection method: clinical testing. Allele origin: germline.
Comment: This sequence change falls in intron 6 of the BBS1 gene. It does not directly change the encoded amino acid sequence of the BBS1 protein. It affects a nucleotide within the consensus splice site. This variant is present in population databases (no rsID available, gnomAD 0.01%). This variant has been observed in individual(s) with clinical features of BBS1-related conditions (internal data). ClinVar contains an entry for this variant (Variation ID: 942785). Variants that disrupt the consensus splice site are a relatively common cause of aberrant splicing (PMID: 17576681, 9536098). Algorithms developed to predict the effect of sequence changes on RNA splicing suggest that this variant is not likely to affect RNA splicing. In summary, the available evidence is currently insufficient to determine the role of this variant in disease. Therefore, it has been classified as a Variant of Uncertain Significance.

Fulgent Genetics
Classification: Uncertain significance for Bardet-Biedl syndrome 1. Last evaluated: 2024-04-29. Review status: criteria provided, single submitter. Criteria: ACMG Guidelines, 2015. Collection method: clinical testing. Allele origin: germline.

Natera, Inc.
Classification: Uncertain significance for Bardet-Biedl syndrome type 1. Last evaluated: 2020-01-26. Review status: no assertion criteria provided. Collection method: clinical testing. Allele origin: germline. Not counted in ClinVar's aggregate classification.

Literature cited by the submitters: PubMed 17576681 (cited by Labcorp Genetics (formerly Invitae), Labcorp); PubMed 9536098 (cited by Labcorp Genetics (formerly Invitae), Labcorp).

NM_024649.5(BBS1):c.518+5G>A

Gene: BBS1 (Bardet-Biedl syndrome 1; plus strand). Cytogenetic location: 11q13.2.
Variant type: single nucleotide variant.
Coding change: c.518+5G>A on transcript NM_024649.5 (MANE Select); 5 bases into the intron after coding-DNA position 518, G replaced by A.
Molecular consequence: intron variant.
Genome position (GRCh38, 1-based): chr11:66,515,736, G>A. VCF-style: chr11-66515736-G-A. GRCh37 (hg19) VCF-style: chr11-66283207-G-A.
Identifiers: ClinVar variation 942785 (VCV000942785.11), dbSNP rs1428618323, ClinGen allele CA475368536.